The following is an entry in ClinVar:

ClinVar aggregate classification (germline): Uncertain significance (1 of 4 stars; one submission).

Submission:

GeneDx
Classification: Uncertain significance. Last evaluated: 2025-07-06. Review status: criteria provided, single submitter. Criteria: GeneDx Variant Classification Process June 2021. Collection method: clinical testing. Allele origin: germline. Affected: yes.
Comment: Not observed at significant frequency in large population cohorts (gnomAD); In silico analysis supports that this missense variant has a deleterious effect on protein structure/function; Has not been previously published as pathogenic or benign to our knowledge

NM_021614.4(KCNN2):c.1936T>C (p.Tyr646His)

Genes: KCNN2 (potassium calcium-activated channel subfamily N member 2; plus strand), LOC101927078 (uncharacterized LOC101927078; minus strand). Cytogenetic location: 5q22.3.
Variant type: single nucleotide variant.
Coding change: c.1936T>C on transcript NM_021614.4 (MANE Select); coding-DNA position 1936, T replaced by C.
Protein change: p.Tyr646His; replaces tyrosine 646 with histidine.
Molecular consequence: missense variant. On other transcripts: non-coding transcript variant (2).
Genome position (GRCh38, 1-based): chr5:114,487,095, T>C. VCF-style: chr5-114487095-T-C. GRCh37 (hg19) VCF-style: chr5-113822792-T-C.
Other names: c.2134T>C, p.Tyr712His (NM_001372233.1); c.256T>C, p.Tyr86His (NM_170775.3); short protein forms Y646H, Y712H, Y86H.
Identifiers: ClinVar variation 4685162 (VCV004685162.1).